The following is an entry in ClinVar:

ClinVar aggregate classification (germline): Uncertain significance (1 of 4 stars; one submission).

Submission:

GeneDx
Classification: Uncertain significance. Last evaluated: 2026-03-19. Review status: criteria provided, single submitter. Criteria: GeneDx Variant Classification Process June 2021. Collection method: clinical testing. Allele origin: germline.
Comment: Not observed at a significant frequency in large population cohorts (gnomAD); Frameshift variant predicted to result in abnormal protein length as the last 62 amino acid(s) are replaced with 34 different amino acid(s); Has not been previously published as pathogenic or benign to our knowledge

NM_014049.5(ACAD9):c.1677del (p.Asn560fs)

Genes: ACAD9 (acyl-CoA dehydrogenase family member 9; plus strand), CFAP92 (cilia and flagella associated protein 92 (putative); minus strand). Cytogenetic location: 3q21.3.
Variant type: Deletion.
Coding change: c.1677del on transcript NM_014049.5 (MANE Select); coding-DNA position 1677, one base deleted (C; older notation c.1677delC).
Protein change: p.Asn560fs; shifts the reading frame from asparagine 560.
Molecular consequence: frameshift variant. On other transcripts: non-coding transcript variant (1), 3 prime UTR variant (3).
Genome position (GRCh38, 1-based): chr3:128,910,134, C deleted. VCF-style (leftmost placement, unchanged base first): chr3-128910133-GC-G. GRCh37 (hg19) VCF-style: chr3-128628976-GC-G.
Other names: c.1308del, p.Asn437fs (NM_001410805.1); c.*165del (NM_001348520.2, NM_001348521.2, NM_001394090.1); short protein forms N437fs, N560fs.
Identifiers: ClinVar variation 4975174 (VCV004975174.1).
Genomic context (GRCh38, chr3:128,910,133, plus strand): 5'-ACCTGTATGGCATGACGGCCGTGCTGTCGCGGGCCAGCCGCTCCATCCGCATTGGGCTCC[GC>G]AACCACGACCACGAGGTGAGCCCAGCCCAGCCTCACACAGGGCCTGGCTGCTGCCATCTG-3'